The following is an entry in ClinVar:

NM_001544.5(ICAM4):c.54G>A (p.Pro18=)

Genes: ICAM4-AS1 (ICAM4 antisense RNA 1; minus strand), ICAM4 (intercellular adhesion molecule 4 (Landsteiner-Wiener blood group); plus strand). Cytogenetic location: 19p13.2.
Variant type: single nucleotide variant.
Coding change: c.54G>A on transcript NM_001544.5 (MANE Select); coding-DNA position 54, G replaced by A.
Protein change: p.Pro18=; no amino-acid change (proline 18 retained).
Molecular consequence: synonymous variant.
Genome position (GRCh38, 1-based): chr19:10,287,066, G>A. VCF-style: chr19-10287066-G-A. GRCh37 (hg19) VCF-style: chr19-10397742-G-A.
Other names: c.54G>A, p.Pro18= (NM_001039132.3).
Identifiers: ClinVar variation 1050440 (VCV001050440.1), dbSNP rs762283483, ClinGen allele CA9190195.
Genomic context (GRCh38, chr19:10,287,066, plus strand): 5'-TTTTGCCATGGGGTCTCTGTTCCCTCTGTCGCTGCTGTTTTTTTTGGCGGCCGCCTACCC[G>A]GGAGTTGGGAGCGCGCTGGGACGCCGGACTAAGCGGGCGCAAAGCCCCAAGGGTAGCCCT-3'
Protein context (NP_001535.1, residues 8-28): SLLFFLAAAY[Pro18=]GVGSALGRRT

ClinVar aggregate classification (germline): Uncertain significance (0 of 4 stars; one submission).

Allele frequency attached by ClinVar (database versions not stated): TOPMed below 0.00001; gnomAD 0.00001; ExAC 0.00002; gnomAD exomes 0.00002.
gnomAD v4.1: 22 of 1,581,988 alleles (0.0014%); highest among the groups gnomAD compares: East Asian, 0.0068%; no homozygotes.

Submission:

Department of Pathology and Laboratory Medicine, Sinai Health System
Classification: Uncertain significance. Review status: no assertion criteria provided. Collection method: clinical testing. Allele origin: unknown. Affected: yes. Study: The Canadian Open Genetics Repository (COGR).
Comment: The ICAM4 p.Pro18Pro variant was not identified in the literature nor was it identified in ClinVar, Cosmic, or LOVD 3.0. The variant was identified in dbSNP (ID: rs762283483) and in control databases in 4 of 255224 chromosomes at a frequency of 0.000016 (Genome Aggregation Database Feb 27, 2017). The variant was observed in the following populations: East Asian in 1 of 18598 chromosomes (freq: 0.000054) and European (non-Finnish) in 3 of 116222 chromosomes (freq: 0.000026), but not in the African, Latino, Ashkenazi Jewish, European (Finnish), Other, and South Asian populations. The p. Pro18Pro variant is not expected to have clinical significance because it does not result in a change of amino acid and is not located in a known consensus splice site. However, 3 of 4 in silico or computational prediction software programs (SpliceSiteFinder, MaxEntScan, NNSPLICE, GeneSplicer) predict a greater than 10% difference in splicing and the creation of a new 3' splice site. However, this information is not predictive enough to assume pathogenicity. In summary, based on the above information the clinical significance of this variant cannot be determined with certainty at this time. This variant is classified as a variant of uncertain significance.